The following is an entry in ClinVar:

ClinVar aggregate classification (germline): Conflicting classifications of pathogenicity. Review status: criteria provided, conflicting classifications (1 of 4 stars). 11 submissions from 11 submitters: Uncertain significance (1); Likely benign (7). 3 of the submissions do not count toward it. Last evaluated 2025-09-21.

Conditions:
Hereditary cancer-predisposing syndrome. Also called: Tumor predisposition; Neoplastic Syndromes, Hereditary; Hereditary neoplastic syndrome; Hereditary Cancer Syndrome. Identifiers: Orphanet 140162, MedGen C0027672, MeSH D009386, MONDO:0015356.
Hereditary breast ovarian cancer syndrome. Also called: Hereditary breast and ovarian cancer; Hereditary breast and ovarian cancer syndrome (HBOC); Hereditary breast and/or ovarian cancer syndrome; Breast and ovarian cancer; Hereditary breast and ovarian cancer syndrome; BRCA1- and BRCA2-Associated Hereditary Breast and Ovarian Cancer. Identifiers: Orphanet 145, MedGen C0677776, MeSH D061325, MONDO:0003582. Disease mechanism: loss of function.
Breast-ovarian cancer, familial, susceptibility to, 2 (BROVCA2). Also called: BRCA2 Hereditary Breast and Ovarian Cancer. Identifiers: Orphanet 145, MedGen C2675520, MONDO:0012933, OMIM 612555. Disease mechanism: loss of function.

Allele frequency attached by ClinVar (database versions not stated): gnomAD exomes below 0.00001; TOPMed 0.00001.
gnomAD v4.1: 8 of 1,610,946 alleles (0.0005%); highest among the groups gnomAD compares: Non-Finnish European, 0.00068%; no homozygotes.

Submissions (11):

Labcorp Genetics (formerly Invitae), Labcorp
Classification: Likely benign for Hereditary breast ovarian cancer syndrome. Last evaluated: 2025-09-21. Review status: criteria provided, single submitter. Criteria: Invitae Variant Classification Sherloc (09022015). Collection method: clinical testing. Allele origin: germline.

Quest Diagnostics Nichols Institute San Juan Capistrano
Classification: Uncertain significance. Last evaluated: 2025-08-12. Review status: criteria provided, single submitter. Criteria: Quest Diagnostics criteria. Collection method: clinical testing. Allele origin: unknown.
Comment: The BRCA2 c.1022G>T (p.Cys341Phe) variant has been reported in the published literature to be located in a region of the BRCA2 gene that is tolerant to missense sequence changes (PMID: 31911673 (2020)). To the best of our knowledge, this variant has not been reported in individuals with BRCA2-related disorders. The frequency of this variant in the general population (Genome Aggregation Database) is uninformative in the assessment of its pathogenicity. Analysis of this variant using bioinformatics tools for the prediction of the effect of amino acid changes on protein structure and function yielded predictions that this variant is benign. Based on the available information, we are unable to determine the clinical significance of this variant.

Mayo Clinic Laboratories, Mayo Clinic
Classification: Likely benign. Last evaluated: 2025-03-19. Review status: criteria provided, single submitter. Criteria: ACMG Guidelines, 2015. Collection method: clinical testing. Allele origin: germline. Observed: 1 variant allele.
Comment: BP1_strong

Molecular Diagnostics Laboratory, Catalan Institute of Oncology
Classification: Likely benign for Hereditary cancer-predisposing syndrome. Last evaluated: 2025-01-09. Review status: criteria provided, single submitter. Criteria: ClinGen BRCA1BRCA2 ACMG Specifications BRCA2 V1.0.0. Collection method: clinical testing. Allele origin: germline.
Comment: BP1_Strong c.1022G>T, located in exon 10 of the BRCA2 gene, is predicted to result in the substitution of cysteine by phenylalanine at codon 341, p.(Cys341Phe). This position is outside a (potentially) clinically important functional domain and, moreover, the SpliceAI algorithm predicts no significant impact on splicing (BP1_strong). This variant is found in 1/264600 alleles at a frequency of 0.0003% in the gnomAD v2.1.1 database, non-cancer dataset. To our knowledge, neither relevant clinical data nor well-established functional studies have been reported for this variant. This variant has been reported in the ClinVar database (1x benign, 5x likely benign, 1x uncertain significance), once in LOVD as an uncertain significance variant, but it has not been classified in the BRCA Exchange database. Based on currently available information, the variant c.1022G>T should be considered a likely benign variant, according to ClinGen ENIGMA BRCA1 and BRCA2 Expert Panel Specifications to the ACMG/AMP Variant Interpretation Guidelines for BRCA2 Version 1.0.0.

University of Washington Department of Laboratory Medicine, University of Washington
Classification: Likely benign for Hereditary cancer-predisposing syndrome. Last evaluated: 2023-03-23. Review status: criteria provided, single submitter. Criteria: Dines et al. (Genet Med. 2020). Collection method: curation. Allele origin: germline.
Comment: Missense variant in a coldspot region where missense variants are very unlikely to be pathogenic (PMID:31911673).

BRCA2 exon 10 coldspot. Reclassification based on statistical prior probability.

GeneDx
Classification: Likely benign. Last evaluated: 2020-03-23. Review status: criteria provided, single submitter. Criteria: GeneDx Variant Classification Process June 2021. Collection method: clinical testing. Allele origin: germline. Affected: yes.
Comment: This variant is associated with the following publications: (PMID: 22703879, 25348012)

Color Diagnostics, LLC DBA Color Health
Classification: Likely benign for Hereditary cancer-predisposing syndrome. Last evaluated: 2019-04-02. Review status: criteria provided, single submitter. Criteria: ACMG Guidelines, 2015. Collection method: clinical testing. Allele origin: germline.

Ambry Genetics
Classification: Likely benign for Hereditary cancer-predisposing syndrome. Last evaluated: 2019-02-26. Review status: criteria provided, single submitter. Criteria: Ambry Variant Classification Scheme 2023. Collection method: clinical testing. Allele origin: germline.

Biesecker Lab/Clinical Genomics Section, National Institutes of Health
Classification: Uncertain significance. Last evaluated: 2012-07-13. Review status: no assertion criteria provided. Collection method: research. Allele origin: germline. Affected: no. Observed: 1 variant allele. Study: ClinSeq. Not counted in ClinVar's aggregate classification.
ClinVar note: Converted during submission from variant of unknown significance to Uncertain significance.

Sharing Clinical Reports Project (SCRP)
Classification: Benign for Breast-ovarian cancer, familial 2. Last evaluated: 2012-05-01. Review status: no assertion criteria provided. Collection method: clinical testing. Allele origin: germline. Not counted in ClinVar's aggregate classification.

Breast Cancer Information Core (BIC) (BRCA2)
Classification: Uncertain significance for Breast-ovarian cancer, familial 2. Last evaluated: 1998-11-30. Review status: no assertion criteria provided. Collection method: clinical testing. Allele origin: germline. Affected: yes. Observed: 1 variant allele. Not counted in ClinVar's aggregate classification.

Literature cited by the submitters: PubMed 31911673 (cited by Quest Diagnostics Nichols Institute San Juan Capistrano).

NM_000059.4(BRCA2):c.1022G>T (p.Cys341Phe)

Gene: BRCA2 (BRCA2 DNA repair associated; plus strand). Cytogenetic location: 13q13.1.
Variant type: single nucleotide variant.
Coding change: c.1022G>T on transcript NM_000059.4 (MANE Select); coding-DNA position 1022, G replaced by T.
Protein change: p.Cys341Phe; replaces cysteine 341 with phenylalanine.
Molecular consequence: missense variant.
Genome position (GRCh38, 1-based): chr13:32,332,500, G>T. VCF-style: chr13-32332500-G-T. GRCh37 (hg19) VCF-style: chr13-32906637-G-T.
Other names: 1250G>T; short protein forms C341F.
Identifiers: ClinVar variation 41539 (VCV000041539.26), dbSNP rs80358403, ClinGen allele CA010516.